The following is an entry in ClinVar:

ClinVar aggregate classification (germline): Uncertain significance. Review status: criteria provided, multiple submitters, no conflicts (2 of 4 stars). 4 submissions from 4 submitters: Uncertain significance (4). Last evaluated 2025-01-02.

Conditions:
Muscular dystrophy-dystroglycanopathy (congenital with brain and eye anomalies), type A2. Also called: MUSCULAR DYSTROPHY-DYSTROGLYCANOPATHY (CONGENITAL WITH BRAIN AND EYE ANOMALIES), TYPE A, 2; WALKER-WARBURG SYNDROME OR MUSCLE-EYE-BRAIN DISEASE, POMT2-RELATED. Identifiers: Orphanet 588, Orphanet 899, MedGen C3150411, MONDO:0013154, OMIM 613150.
Muscular dystrophy-dystroglycanopathy (congenital with impaired intellectual development), type B, 2. Also called: MUSCULAR DYSTROPHY, CONGENITAL, POMT2-RELATED; Muscular dystrophy-dystroglycanopathy (congenital with intellectual disability), type B2. Identifiers: MedGen C3150416, MONDO:0013160, OMIM 613156.
Autosomal recessive limb-girdle muscular dystrophy type 2N. Also called: MUSCULAR DYSTROPHY-DYSTROGLYCANOPATHY, LIMB-GIRDLE, POMT2-RELATED; Muscular dystrophy-dystroglycanopathy (limb-girdle), type C, 2. Identifiers: Orphanet 206559, MedGen C3150418, MONDO:0013162, OMIM 613158.
Inborn genetic diseases. Identifiers: MedGen C0950123, MeSH D030342.

Allele frequency attached by ClinVar (database versions not stated): gnomAD exomes below 0.00001; gnomAD 0.00001; ExAC 0.00001; TOPMed 0.00005.
gnomAD v4.1: 5 of 1,613,824 alleles (0.00031%); highest among the groups gnomAD compares: African/African-American, 0.0053%; no homozygotes.

Submissions (4):

Ambry Genetics
Classification: Uncertain significance for Inborn genetic diseases. Last evaluated: 2025-01-02. Review status: criteria provided, single submitter. Criteria: Ambry Variant Classification Scheme 2023. Collection method: clinical testing. Allele origin: germline.

Labcorp Genetics (formerly Invitae), Labcorp
Classification: Uncertain significance for Muscular dystrophy-dystroglycanopathy (congenital with impaired intellectual development), type B, 2; Muscular dystrophy-dystroglycanopathy (congenital with brain and eye anomalies), type A2; Autosomal recessive limb-girdle muscular dystrophy type 2N. Last evaluated: 2024-07-24. Review status: criteria provided, single submitter. Criteria: Invitae Variant Classification Sherloc (09022015). Collection method: clinical testing. Allele origin: germline.
Comment: This sequence change replaces isoleucine, which is neutral and non-polar, with valine, which is neutral and non-polar, at codon 615 of the POMT2 protein (p.Ile615Val). This variant is present in population databases (rs762148813, gnomAD 0.007%). This variant has not been reported in the literature in individuals affected with POMT2-related conditions. ClinVar contains an entry for this variant (Variation ID: 805237). Advanced modeling of protein sequence and biophysical properties (such as structural, functional, and spatial information, amino acid conservation, physicochemical variation, residue mobility, and thermodynamic stability) performed at Invitae indicates that this missense variant is not expected to disrupt POMT2 protein function with a negative predictive value of 95%. In summary, the available evidence is currently insufficient to determine the role of this variant in disease. Therefore, it has been classified as a Variant of Uncertain Significance.

Revvity Omics, Revvity
Classification: Uncertain significance. Last evaluated: 2019-12-10. Review status: criteria provided, single submitter. Criteria: ACMG Guidelines, 2015. Collection method: clinical testing. Allele origin: germline.

Athena Diagnostics
Classification: Uncertain significance. Last evaluated: 2019-05-24. Review status: criteria provided, single submitter. Criteria: Athena Diagnostics Criteria. Collection method: clinical testing. Allele origin: germline.

NM_013382.7(POMT2):c.1843A>G (p.Ile615Val)

Gene: POMT2 (protein O-mannosyltransferase 2; minus strand). Cytogenetic location: 14q24.3.
Variant type: single nucleotide variant.
Coding change: c.1843A>G on transcript NM_013382.7 (MANE Select); coding-DNA position 1843, A replaced by G.
Protein change: p.Ile615Val; replaces isoleucine 615 with valine.
Molecular consequence: missense variant.
Genome position (GRCh38, 1-based): chr14:77,279,871, T>C on the plus strand (A>G on the coding strand, the complement: POMT2 is on the minus strand). VCF-style: chr14-77279871-T-C. GRCh37 (hg19) VCF-style: chr14-77746214-T-C.
Other names: short protein forms I615V.
Identifiers: ClinVar variation 805237 (VCV000805237.7), dbSNP rs762148813, ClinGen allele CA7285672.